The following is an entry in ClinVar:

NM_032638.5(GATA2):c.219C>G (p.Ser73Arg)

Gene: GATA2 (GATA binding protein 2; minus strand). Cytogenetic location: 3q21.3.
Variant type: single nucleotide variant.
Coding change: c.219C>G on transcript NM_032638.5 (MANE Select); coding-DNA position 219, C replaced by G.
Protein change: p.Ser73Arg; replaces serine 73 with arginine.
Molecular consequence: missense variant.
Genome position (GRCh38, 1-based): chr3:128,486,813, G>C on the plus strand (C>G on the coding strand, the complement: GATA2 is on the minus strand). VCF-style: chr3-128486813-G-C. GRCh37 (hg19) VCF-style: chr3-128205656-G-C.
Other names: c.219C>G, p.Ser73Arg (NM_001145661.2, NM_001145662.1); short protein forms S73R.
Identifiers: ClinVar variation 2932601 (VCV002932601.4), dbSNP rs1454793467, ClinGen allele CA354408202.
Genomic context (GRCh38, chr3:128,486,813, plus strand): 5'-CGCCTGGCGCGCGGCGCCTGGGTTCTCATCACCACGGGCCCAGTGCTCACCGTGCGCGGG[G>C]CTGTAGGAGACGCGCGCCCGCGCGTGAGCGGGGTTGGCATAGTAGGGGTTGCCCTGCGAG-3'
Protein context (NP_116027.2, residues 63-83): PAHARARVSY[Ser73Arg]PAHARLTGGQ

ClinVar aggregate classification (germline): Uncertain significance. Review status: criteria provided, multiple submitters, no conflicts (2 of 4 stars). 2 submissions from 2 submitters: Uncertain significance (2). Last evaluated 2025-02-08.

Conditions:
Inborn genetic diseases. Identifiers: MedGen C0950123, MeSH D030342.
Deafness-lymphedema-leukemia syndrome. Also called: Lymphedema, primary, with myelodysplasia; Emberger syndrome. Identifiers: Orphanet 3226, MedGen C3279664, MONDO:0013540, OMIM 614038.
Monocytopenia with susceptibility to infections. Also called: IMMUNODEFICIENCY 21; GATA2 DEFICIENCY; MONOCYTOPENIA AND MYCOBACTERIAL INFECTION SYNDROME; MONOCYTOPENIA WITH SUSCEPTIBILITY TO MYCOBACTERIAL, FUNGAL, AND PAPILLOMAVIRUS INFECTIONS AND MYELODYSPLASIA; COMBINED IMMUNODEFICIENCY WITH SUSCEPTIBILITY TO MYCOBACTERIAL, VIRAL, AND FUNGAL INFECTIONS; Dendritic cell, monocyte, B lymphocyte, and natural killer lymphocyte deficiency. Identifiers: Orphanet 228423, MedGen C3280030, MONDO:0013607, OMIM 614172.

Allele frequency attached by ClinVar (database versions not stated): TOPMed 0.00001.

Submissions (2):

Ambry Genetics
Classification: Uncertain significance for Inborn genetic diseases. Last evaluated: 2025-02-08. Review status: criteria provided, single submitter. Criteria: Ambry Variant Classification Scheme 2023. Collection method: clinical testing. Allele origin: germline.
Comment: The p.S73R variant (also known as c.219C>G), located in coding exon 1 of the GATA2 gene, results from a C to G substitution at nucleotide position 219. The serine at codon 73 is replaced by arginine, an amino acid with dissimilar properties. This amino acid position is conserved. In addition, the in silico prediction for this alteration is inconclusive. Based on the available evidence, the clinical significance of this variant remains unclear.

Labcorp Genetics (formerly Invitae), Labcorp
Classification: Uncertain significance for Monocytopenia with susceptibility to infections; Deafness-lymphedema-leukemia syndrome. Last evaluated: 2024-05-06. Review status: criteria provided, single submitter. Criteria: Invitae Variant Classification Sherloc (09022015). Collection method: clinical testing. Allele origin: germline.
Comment: This sequence change replaces serine, which is neutral and polar, with arginine, which is basic and polar, at codon 73 of the GATA2 protein (p.Ser73Arg). This variant is not present in population databases (gnomAD no frequency). This variant has not been reported in the literature in individuals affected with GATA2-related conditions. Advanced modeling of protein sequence and biophysical properties (such as structural, functional, and spatial information, amino acid conservation, physicochemical variation, residue mobility, and thermodynamic stability) performed at Invitae indicates that this missense variant is not expected to disrupt GATA2 protein function with a negative predictive value of 95%. In summary, the available evidence is currently insufficient to determine the role of this variant in disease. Therefore, it has been classified as a Variant of Uncertain Significance.